The following is an entry in ClinVar:

ClinVar aggregate classification (germline): Uncertain significance (1 of 4 stars; one submission).

Conditions:
Early-infantile DEE. Also called: Early infantile epileptic encephalopathy with suppression bursts; Early infantile epileptic encephalopathy; Ohtahara syndrome. Identifiers: Orphanet 1934, MedGen C0393706, MONDO:0800491.

Submission:

Labcorp Genetics (formerly Invitae), Labcorp
Classification: Uncertain significance for Early-infantile DEE. Last evaluated: 2025-08-09. Review status: criteria provided, single submitter. Criteria: Invitae Variant Classification Sherloc (09022015). Collection method: clinical testing. Allele origin: germline.
Comment: This sequence change replaces phenylalanine, which is neutral and non-polar, with leucine, which is neutral and non-polar, at codon 816 of the SCN1A protein (p.Phe816Leu). This variant is not present in population databases (gnomAD no frequency). This variant has not been reported in the literature in individuals affected with SCN1A-related conditions. Invitae Evidence Modeling of protein sequence and biophysical properties (such as structural, functional, and spatial information, amino acid conservation, physicochemical variation, residue mobility, and thermodynamic stability) indicates that this missense variant is not expected to disrupt SCN1A protein function with a negative predictive value of 95%. In summary, the available evidence is currently insufficient to determine the role of this variant in disease. Therefore, it has been classified as a Variant of Uncertain Significance.

NM_001165963.4(SCN1A):c.2446T>C (p.Phe816Leu)

Gene: SCN1A (sodium voltage-gated channel alpha subunit 1; minus strand). Cytogenetic location: 2q24.3.
Variant type: single nucleotide variant.
Coding change: c.2446T>C on transcript NM_001165963.4 (MANE Select); coding-DNA position 2446, T replaced by C.
Protein change: p.Phe816Leu; replaces phenylalanine 816 with leucine.
Molecular consequence: missense variant. On other transcripts: non-coding transcript variant (1).
Genome position (GRCh38, 1-based): chr2:166,039,566, A>G on the plus strand (T>C on the coding strand, the complement: SCN1A is on the minus strand). VCF-style: chr2-166039566-A-G. GRCh37 (hg19) VCF-style: chr2-166896076-A-G.
Other names: c.2362T>C, p.Phe788Leu (NM_001165964.3, NM_001353957.2, NM_001353958.2); c.2446T>C, p.Phe816Leu (NM_001202435.3, NM_001353948.2); c.2413T>C, p.Phe805Leu (NM_001353949.2, NM_001353950.2, NM_001353951.2 and 2 more transcripts); c.2410T>C, p.Phe804Leu (NM_001353954.2, NM_001353955.2); c.2359T>C, p.Phe787Leu (NM_001353960.2); c.4T>C, p.Phe2Leu (NM_001353961.2); short protein forms F2L, F787L, F788L, F804L, F805L, F816L.
Identifiers: ClinVar variation 4800281 (VCV004800281.1).